The following is an entry in ClinVar:

ClinVar aggregate classification (germline): Benign (1 of 4 stars; one submission).

Allele frequency attached by ClinVar (database versions not stated): gnomAD 0.48610 and 0.48926; TOPMed 0.49349; 1000 Genomes Project 0.49601; 1000 Genomes Project 30x 0.49703.
gnomAD v4.1: 72,843 of 149,868 alleles (49%); highest among the groups gnomAD compares: African/African-American, 64%; 18,272 homozygotes.

Submission:

GeneDx
Classification: Benign. Last evaluated: 2018-06-16. Review status: criteria provided, single submitter. Criteria: GeneDx Variant Classification (06012015). Collection method: clinical testing. Allele origin: germline. Affected: yes.
Comment: This variant is considered likely benign or benign based on one or more of the following criteria: it is a conservative change, it occurs at a poorly conserved position in the protein, it is predicted to be benign by multiple in silico algorithms, and/or has population frequency not consistent with disease.

NM_001244710.2(GFPT1):c.544-207T>C

Gene: GFPT1 (glutamine--fructose-6-phosphate transaminase 1; minus strand). Cytogenetic location: 2p13.3.
Variant type: single nucleotide variant.
Coding change: c.544-207T>C on transcript NM_001244710.2 (MANE Select); 207 bases into the intron before coding-DNA position 544, T replaced by C.
Molecular consequence: intron variant.
Genome position (GRCh38, 1-based): chr2:69,356,764, A>G on the plus strand (T>C on the coding strand, the complement: GFPT1 is on the minus strand). VCF-style: chr2-69356764-A-G. GRCh37 (hg19) VCF-style: chr2-69583896-A-G.
Other names: c.544-207T>C (NM_002056.4).
Identifiers: ClinVar variation 681305 (VCV000681305.1), dbSNP rs13389936, ClinGen allele CA15188063.